The following is an entry in ClinVar:

NM_020843.4(SCAPER):c.124+7_124+8insC

Gene: SCAPER (S-phase cyclin A associated protein in the ER; minus strand). Cytogenetic location: 15q24.3.
Variant type: Insertion.
Coding change: c.124+7_124+8insC on transcript NM_020843.4 (MANE Select); bases 7 to 8 of the intron after coding-DNA position 124, C inserted.
Molecular consequence: intron variant.
Genome position: GRCh38 VCF-style: chr15-76862408-A-AG. GRCh37 (hg19) VCF-style: chr15-77154749-A-AG.
Other names: c.-397+7_-397+8insC (NM_001353011.2); c.-279+7_-279+8insC (NM_001353012.2); c.124+7_124+8insC (NM_001353009.2); c.-334+7_-334+8insC (NM_001353010.2).
Identifiers: ClinVar variation 4997204 (VCV004997204.1).

ClinVar aggregate classification (germline): Likely benign (1 of 4 stars; one submission).

Conditions:
SCAPER-related disorder. Also called: SCAPER-related condition.

Submission:

PreventionGenetics, part of Exact Sciences
Classification: Likely benign for SCAPER-related condition. Last evaluated: 2025-04-16. Review status: criteria provided, single submitter. Criteria: ACMG Guidelines, 2015. Collection method: clinical testing. Allele origin: germline.
Comment: This variant is classified as likely benign based on ACMG/AMP sequence variant interpretation guidelines (Richards et al. 2015 PMID: 25741868, with internal and published modifications).